The following is an entry in ClinVar:

NC_000019.9:g.(?_17992749)_(17999284_?)del

Gene: SLC5A5 (solute carrier family 5 member 5; plus strand). Cytogenetic location: 19p13.11.
Variant type: Deletion.
Identifiers: ClinVar variation 3242651 (VCV003242651.1).

ClinVar aggregate classification (germline): Pathogenic (1 of 4 stars; one submission).

Submission:

Labcorp Genetics (formerly Invitae), Labcorp
Classification: Pathogenic. Last evaluated: 2023-07-17. Review status: criteria provided, single submitter. Criteria: Invitae Variant Classification Sherloc (09022015). Collection method: clinical testing. Allele origin: unknown.
Comment: This variant is a gross deletion of the genomic region encompassing exon(s) 9-13 of the SLC5A5 gene. This deletion is out-of-frame, and is expected to create a premature termination codon and result in an absent or disrupted protein product. Loss-of-function variants in SLC5A5 are known to be pathogenic (PMID: 9388506, 9486973). This variant has not been reported in the literature in individuals affected with SLC5A5-related conditions. For these reasons, this variant has been classified as Pathogenic.

Literature cited by the submitters: PubMed 9388506; PubMed 9486973.